The following is an entry in ClinVar:

ClinVar aggregate classification (germline): Benign/Likely benign. Review status: criteria provided, multiple submitters, no conflicts (2 of 4 stars). 2 submissions from 2 submitters: Benign (1); Likely benign (1). Last evaluated 2025-08-02.

Conditions:
Hereditary cancer-predisposing syndrome. Also called: Neoplastic Syndromes, Hereditary; Hereditary neoplastic syndrome; Hereditary Cancer Syndrome; Tumor predisposition. Identifiers: Orphanet 140162, MedGen C0027672, MeSH D009386, MONDO:0015356.
Tuberous sclerosis 1 (TSC1). Identifiers: Orphanet 805, MedGen C1854465, MONDO:0008612, OMIM 191100.

gnomAD v4.1: 1 of 1,613,978 alleles (0.000062%); highest among the groups gnomAD compares: African/African-American, 0.0013%; no homozygotes.

Submissions (2):

Ambry Genetics
Classification: Likely benign for Hereditary cancer-predisposing syndrome. Last evaluated: 2025-08-02. Review status: criteria provided, single submitter. Criteria: Ambry Variant Classification Scheme 2023. Collection method: clinical testing. Allele origin: germline.

Myriad Genetics, Inc.
Classification: Benign for Tuberous sclerosis 1. Last evaluated: 2025-04-25. Review status: criteria provided, single submitter. Criteria: Myriad Autosomal Dominant, Autosomal Recessive and X-Linked Classification Criteria (2023). Collection method: clinical testing. Allele origin: unknown.
Comment: This variant is considered benign. This variant is a silent/synonymous amino acid change and it is not expected to impact splicing.

NM_000368.5(TSC1):c.2376G>A (p.Gln792=)

Gene: TSC1 (TSC complex subunit 1; minus strand). Cytogenetic location: 9q34.13.
Variant type: single nucleotide variant.
Coding change: c.2376G>A on transcript NM_000368.5 (MANE Select); coding-DNA position 2376, G replaced by A.
Protein change: p.Gln792=; no amino-acid change (glutamine 792 retained).
Molecular consequence: synonymous variant. On other transcripts: non-coding transcript variant (5).
Genome position (GRCh38, 1-based): chr9:132,902,620, C>T on the plus strand (G>A on the coding strand, the complement: TSC1 is on the minus strand). VCF-style: chr9-132902620-C-T. GRCh37 (hg19) VCF-style: chr9-135778007-C-T.
Other names: c.2373G>A, p.Gln791= (NM_001162426.2, NM_001406597.1, NM_001406598.1 and 4 more transcripts); c.2223G>A, p.Gln741= (NM_001162427.2, NM_001406610.1); c.2013G>A, p.Gln671= (NM_001362177.2, NM_001406614.1, NM_001406615.1 and 5 more transcripts); c.2376G>A, p.Gln792= (NM_001406592.1, NM_001406593.1, NM_001406594.1 and 5 more transcripts); c.2361G>A, p.Gln787= (NM_001406601.1, NM_001406602.1); c.2358G>A, p.Gln786= (NM_001406603.1, NM_001406604.1); c.2220G>A, p.Gln740= (NM_001406611.1, NM_001406612.1, NM_001406613.1); c.2010G>A, p.Gln670= (NM_001406620.1, NM_001406621.1, NM_001406622.1 and 2 more transcripts); and 3 more.
Identifiers: ClinVar variation 4071309 (VCV004071309.2).
Genomic context (GRCh38, chr9:132,902,620, plus strand): 5'-TCCGGCATTCTCGCAGTTGGCTTTGCCTGGTGCTGCAGTTTATACCTGTAATTCCTGGCT[C>T]TGGTTGTAGAATTCCTCTCGGTCATGCTGCAGCTGTCTGATCTGGCTGTGGAGCTTGGTT-3'
Protein context (NP_000359.1, residues 782-802): LQHDREEFYN[Gln792=]SQELQTKLED